The following is an entry in ClinVar:

NM_001134831.2(AHI1):c.2291G>A (p.Cys764Tyr)

Gene: AHI1 (Abelson helper integration site 1; minus strand). Cytogenetic location: 6q23.3.
Variant type: single nucleotide variant.
Coding change: c.2291G>A on transcript NM_001134831.2 (MANE Select); coding-DNA position 2291, G replaced by A.
Protein change: p.Cys764Tyr; replaces cysteine 764 with tyrosine.
Molecular consequence: missense variant.
Genome position (GRCh38, 1-based): chr6:135,431,290, C>T on the plus strand (G>A on the coding strand, the complement: AHI1 is on the minus strand). VCF-style: chr6-135431290-C-T. GRCh37 (hg19) VCF-style: chr6-135752428-C-T.
Other names: c.2291G>A, p.Cys764Tyr (NM_001134830.2, NM_001134832.2, NM_001350503.2 and 2 more transcripts); short protein forms C764Y.
Identifiers: ClinVar variation 1054913 (VCV001054913.9), dbSNP rs1355452076, ClinGen allele CA365743281.

ClinVar aggregate classification (germline): Uncertain significance (1 of 4 stars; one submission).

Conditions:
Joubert syndrome. Also called: Familial aplasia of the vermis; CEREBELLOPARENCHYMAL DISORDER IV; JOUBERT-BOLTSHAUSER SYNDROME. Identifiers: Orphanet 475, MedGen C5979921, MONDO:0018772.

Allele frequency attached by ClinVar (database versions not stated): gnomAD exomes below 0.00001 and 0.00002.
gnomAD v4.1: 26 of 1,605,666 alleles (0.0016%); highest among the groups gnomAD compares: Non-Finnish European, 0.0022%; no homozygotes.

Submission:

Labcorp Genetics (formerly Invitae), Labcorp
Classification: Uncertain significance for Joubert syndrome. Last evaluated: 2022-03-10. Review status: criteria provided, single submitter. Criteria: Invitae Variant Classification Sherloc (09022015). Collection method: clinical testing. Allele origin: germline.
Comment: This sequence change replaces cysteine, which is neutral and slightly polar, with tyrosine, which is neutral and polar, at codon 764 of the AHI1 protein (p.Cys764Tyr). The frequency data for this variant in the population databases is considered unreliable, as metrics indicate poor data quality at this position in the gnomAD database. This variant has not been reported in the literature in individuals affected with AHI1-related conditions. ClinVar contains an entry for this variant (Variation ID: 1054913). Advanced modeling of protein sequence and biophysical properties (such as structural, functional, and spatial information, amino acid conservation, physicochemical variation, residue mobility, and thermodynamic stability) performed at Invitae indicates that this missense variant is not expected to disrupt AHI1 protein function. In summary, the available evidence is currently insufficient to determine the role of this variant in disease. Therefore, it has been classified as a Variant of Uncertain Significance.